The following is an entry in ClinVar:

ClinVar aggregate classification (germline): Pathogenic (1 of 4 stars; one submission).

Submission:

Labcorp Genetics (formerly Invitae), Labcorp
Classification: Pathogenic. Last evaluated: 2017-12-02. Review status: criteria provided, single submitter. Criteria: Invitae Variant Classification Sherloc (09022015). Collection method: clinical testing. Allele origin: germline.
Comment: This variant is not present in population databases (ExAC no frequency). This variant has not been reported in the literature in individuals with VPS13A-related disease. This sequence change creates a premature translational stop signal (p.Ser2033*) in the VPS13A gene. It is expected to result in an absent or disrupted protein product. Loss-of-function variants in VPS13A are known to be pathogenic (PMID: 12404112, 21598378). For these reasons, this variant has been classified as Pathogenic.

Literature cited by the submitters: PubMed 12404112; PubMed 21598378.

NC_000009.12:g.77337257_77337282del

Gene: VPS13A (vacuolar protein sorting 13 homolog A; plus strand). Cytogenetic location: 9q21.2.
Variant type: Deletion.
Genome position: GRCh38 VCF-style: chr9-77337252-CAGATCATTCATTTTTCTGAAGCCAGA-C. GRCh37 (hg19) VCF-style: chr9-79952168-CAGATCATTCATTTTTCTGAAGCCAGA-C.
Identifiers: ClinVar variation 1076050 (VCV001076050.7), dbSNP rs1174858706, ClinGen allele CA867074073.